The following is an entry in ClinVar:

NM_000554.6(CRX):c.*401A>C

Gene: CRX (cone-rod homeobox; plus strand). Cytogenetic location: 19q13.33.
Variant type: single nucleotide variant.
Coding change: c.*401A>C on transcript NM_000554.6 (MANE Select); 401 bases downstream of the stop codon, A replaced by C.
Molecular consequence: 3 prime UTR variant.
Genome position (GRCh38, 1-based): chr19:47,840,368, A>C. VCF-style: chr19-47840368-A-C. GRCh37 (hg19) VCF-style: chr19-48343625-A-C.
Identifiers: ClinVar variation 329709 (VCV000329709.6), dbSNP rs3848537, ClinGen allele CA10643045.

ClinVar aggregate classification (germline): Benign. Review status: criteria provided, multiple submitters, no conflicts (2 of 4 stars). 4 submissions from 2 submitters: Benign (4). Last evaluated 2018-01-12.

Conditions:
Leber congenital amaurosis 7 (LCA7). Identifiers: Orphanet 65, MedGen C3151192, MONDO:0013449, OMIM 613829.
Retinitis pigmentosa (RP). Identifiers: Orphanet 791, MedGen C0035334, MeSH D012174, MONDO:0019200, OMIM 268000. Inheritance: Autosomal dominant, autosomal recessive and X linked inheritance.
Cone-rod dystrophy 2 (CORD2). Also called: CONE-ROD RETINAL DYSTROPHY; Cone-rod retinal dystrophy 2. Identifiers: Orphanet 1872, MedGen C3489532, MONDO:0007362, OMIM 120970.

Allele frequency attached by ClinVar (database versions not stated): 1000 Genomes Project 0.24261; TOPMed 0.32232; gnomAD 0.32497 and 0.32753; gnomAD exomes 0.34607.
gnomAD v4.1: 72,105 of 217,346 alleles (33%); highest among the groups gnomAD compares: Non-Finnish European, 39%; 13,225 homozygotes.

Submissions (4):

Illumina Laboratory Services, Illumina
Classification: Benign for Cone-rod dystrophy 2. Last evaluated: 2018-01-12. Review status: criteria provided, single submitter. Criteria: ICSL Variant Classification Criteria 13 December 2019. Collection method: clinical testing. Allele origin: germline.
Comment: This variant was observed in the ICSL laboratory as part of a predisposition screen in an ostensibly healthy population. It had not been previously curated by ICSL or reported in the Human Gene Mutation Database (HGMD: prior to June 1st, 2018), and was therefore a candidate for classification through an automated scoring system. Utilizing variant allele frequency, disease prevalence and penetrance estimates, and inheritance mode, an automated score was calculated to assess if this variant is too frequent to cause the disease. Based on the score and internal cut-off values, a variant classified as benign is not then subjected to further curation. The score for this variant resulted in a classification of benign for this disease.

Illumina Laboratory Services, Illumina
Classification: Benign for Retinitis pigmentosa. Last evaluated: 2018-01-12. Review status: criteria provided, single submitter. Criteria: ICSL Variant Classification Criteria 13 December 2019. Collection method: clinical testing. Allele origin: germline.
Comment: the same text as in the submission from Illumina Laboratory Services, Illumina above.

Illumina Laboratory Services, Illumina
Classification: Benign for Leber congenital amaurosis 7. Last evaluated: 2018-01-12. Review status: criteria provided, single submitter. Criteria: ICSL Variant Classification Criteria 13 December 2019. Collection method: clinical testing. Allele origin: germline.
Comment: the same text as in the submission from Illumina Laboratory Services, Illumina above.

Breakthrough Genomics
Classification: Benign. Review status: criteria provided, single submitter. Criteria: ACMG Guidelines, 2015. Collection method: not provided. Allele origin: germline. Inheritance: Autosomal dominant inheritance. Affected: yes.